The following is an entry in ClinVar:

ClinVar aggregate classification (germline): Uncertain significance. Review status: criteria provided, multiple submitters, no conflicts (2 of 4 stars). 3 submissions from 3 submitters: Uncertain significance (3). Last evaluated 2025-08-17.

Conditions:
Cardiovascular phenotype. Identifiers: MedGen CN230736.
Osteogenesis imperfecta type I (OI1). Also called: Lobstein disease; OI, TYPE I; OSTEOGENESIS IMPERFECTA TARDA; OSTEOGENESIS IMPERFECTA WITH BLUE SCLERAE; Osteogenesis imperfecta type 1; Lobstein's Disease. Identifiers: Orphanet 216796, Orphanet 666, MedGen C0023931, MONDO:0008146, OMIM 166200. Disease mechanism: loss of function.
Ehlers-Danlos syndrome, classic type, 1 (EDSCL1). Also called: EDS I; EHLERS-DANLOS SYNDROME, GRAVIS TYPE; EHLERS-DANLOS SYNDROME, SEVERE CLASSIC TYPE; Ehlers-Danlos syndrome, type 1; Ehlers-Danlos Syndrome, Classic Type, COL5A1-Related. Identifiers: MedGen C0268335, MONDO:0019567, OMIM 130000.

Allele frequency attached by ClinVar (database versions not stated): TOPMed below 0.00001; gnomAD exomes 0.00001.
gnomAD v4.1: 14 of 1,614,126 alleles (0.00087%); highest among the groups gnomAD compares: Non-Finnish European, 0.0011%; no homozygotes.

Submissions (3):

Mayo Clinic Laboratories, Mayo Clinic
Classification: Uncertain significance. Last evaluated: 2025-08-17. Review status: criteria provided, single submitter. Criteria: ACMG Guidelines, 2015. Collection method: clinical testing. Allele origin: germline. Observed: 1 variant allele.
Comment: PM2_supporting

Ambry Genetics
Classification: Uncertain significance for Cardiovascular phenotype. Last evaluated: 2023-10-26. Review status: criteria provided, single submitter. Criteria: Ambry Variant Classification Scheme 2023. Collection method: clinical testing. Allele origin: germline.
Comment: The p.P278A variant (also known as c.832C>G), located in coding exon 17 of the COL1A2 gene, results from a C to G substitution at nucleotide position 832. The proline at codon 278 is replaced by alanine, an amino acid with highly similar properties. This amino acid position is well conserved in available vertebrate species. In addition, the in silico prediction for this alteration is inconclusive. Since supporting evidence is limited at this time, the clinical significance of this alteration remains unclear.

Labcorp Genetics (formerly Invitae), Labcorp
Classification: Uncertain significance for Osteogenesis imperfecta type I; Ehlers-Danlos syndrome, classic type, 1. Last evaluated: 2023-03-27. Review status: criteria provided, single submitter. Criteria: Invitae Variant Classification Sherloc (09022015). Collection method: clinical testing. Allele origin: germline.
Comment: In summary, the available evidence is currently insufficient to determine the role of this variant in disease. Therefore, it has been classified as a Variant of Uncertain Significance. Advanced modeling of protein sequence and biophysical properties (such as structural, functional, and spatial information, amino acid conservation, physicochemical variation, residue mobility, and thermodynamic stability) performed at Invitae indicates that this missense variant is not expected to disrupt COL1A2 protein function. This variant has not been reported in the literature in individuals affected with COL1A2-related conditions. This variant is not present in population databases (gnomAD no frequency). This sequence change replaces proline, which is neutral and non-polar, with alanine, which is neutral and non-polar, at codon 278 of the COL1A2 protein (p.Pro278Ala).

NM_000089.4(COL1A2):c.832C>G (p.Pro278Ala)

Gene: COL1A2 (collagen type I alpha 2 chain; plus strand). Cytogenetic location: 7q21.3.
Variant type: single nucleotide variant.
Coding change: c.832C>G on transcript NM_000089.4 (MANE Select); coding-DNA position 832, C replaced by G.
Protein change: p.Pro278Ala; replaces proline 278 with alanine.
Molecular consequence: missense variant.
Genome position (GRCh38, 1-based): chr7:94,409,361, C>G. VCF-style: chr7-94409361-C-G. GRCh37 (hg19) VCF-style: chr7-94038673-C-G.
Other names: p.Pro278Ala; short protein forms P278A.
Identifiers: ClinVar variation 2946270 (VCV002946270.5), dbSNP rs1791868746, ClinGen allele CA368220614.